The following is an entry in ClinVar:

ClinVar aggregate classification (germline): Uncertain significance (1 of 4 stars; one submission).

gnomAD v4.1: 2 of 1,614,158 alleles (0.00012%); highest among the groups gnomAD compares: Non-Finnish European, 0.00017%; no homozygotes.

Submission:

Labcorp Genetics (formerly Invitae), Labcorp
Classification: Uncertain significance. Last evaluated: 2024-02-15. Review status: criteria provided, single submitter. Criteria: Invitae Variant Classification Sherloc (09022015). Collection method: clinical testing. Allele origin: germline.
Comment: This sequence change replaces histidine, which is basic and polar, with tyrosine, which is neutral and polar, at codon 365 of the REST protein (p.His365Tyr). This variant is not present in population databases (gnomAD no frequency). This variant has not been reported in the literature in individuals affected with REST-related conditions. Algorithms developed to predict the effect of missense changes on protein structure and function output the following: SIFT: "Not Available"; PolyPhen-2: "Possibly Damaging"; Align-GVGD: "Not Available". The tyrosine amino acid residue is found in multiple mammalian species, which suggests that this missense change does not adversely affect protein function. In summary, the available evidence is currently insufficient to determine the role of this variant in disease. Therefore, it has been classified as a Variant of Uncertain Significance.

NM_005612.5(REST):c.1093C>T (p.His365Tyr)

Gene: REST (RE1 silencing transcription factor; plus strand). Cytogenetic location: 4q12.
Variant type: single nucleotide variant.
Coding change: c.1093C>T on transcript NM_005612.5 (MANE Select); coding-DNA position 1093, C replaced by T.
Protein change: p.His365Tyr; replaces histidine 365 with tyrosine.
Molecular consequence: missense variant.
Genome position (GRCh38, 1-based): chr4:56,929,951, C>T. VCF-style: chr4-56929951-C-T. GRCh37 (hg19) VCF-style: chr4-57796117-C-T.
Other names: c.1093C>T, p.His365Tyr (NM_001193508.2, NM_001363453.3); short protein forms H365Y.
Identifiers: ClinVar variation 3614627 (VCV003614627.2).